The following is an entry in ClinVar:

NM_004453.4(ETFDH):c.1699G>A (p.Glu567Lys)

Gene: ETFDH (electron transfer flavoprotein dehydrogenase; plus strand). Cytogenetic location: 4q32.1.
Variant type: single nucleotide variant.
Coding change: c.1699G>A on transcript NM_004453.4 (MANE Select); coding-DNA position 1699, G replaced by A.
Protein change: p.Glu567Lys; replaces glutamic acid 567 with lysine.
Molecular consequence: missense variant.
Genome position (GRCh38, 1-based): chr4:158,708,372, G>A. VCF-style: chr4-158708372-G-A. GRCh37 (hg19) VCF-style: chr4-159629524-G-A.
Other names: c.1558G>A, p.Glu520Lys (NM_001281737.2); c.1516G>A, p.Glu506Lys (NM_001281738.1); c.1699G>A (NM_004453.3); short protein forms E506K, E520K, E567K.
Identifiers: ClinVar variation 2675137 (VCV002675137.4), dbSNP rs1774695889, ClinGen allele CA358566351.
Genomic context (GRCh38, chr4:158,708,372, plus strand): 5'-TAAAAATTTTTTAAAGTTAGGCACTTCAATATTATTTATTTTTACTTTTCAGGAGTTTAT[G>A]AATTTGTACCTGTGGAACAAGGTGATGGATTTCGGTTACAGATAAATGCTCAGAACTGTG-3'
Protein context (NP_004444.2, residues 557-577): EQRFCPAGVY[Glu567Lys]FVPVEQGDGF

ClinVar aggregate classification (germline): Likely pathogenic. Review status: criteria provided, multiple submitters, no conflicts (2 of 4 stars). 3 submissions from 3 submitters: Likely pathogenic (3). Last evaluated 2024-05-03.

Conditions:
Glutaric acidemia type 2C.
Multiple acyl-CoA dehydrogenase deficiency (MADD). Also called: ETHYLMALONIC-ADIPICACIDURIA; GA II; Glutaric Acidemia type 2; Glutaric aciduria, type 2; Glutaric acidemia type II; GA 2. Identifiers: Orphanet 26791, MedGen C0268596, MONDO:0009282, OMIM 231680.

Allele frequency attached by ClinVar (database versions not stated): TOPMed below 0.00001.

Submissions (3):

Natera, Inc.
Classification: Likely pathogenic for Glutaric acidemia type 2C. Last evaluated: 2024-05-03. Review status: criteria provided, single submitter. Criteria: Natera Variant Classification Schema (03/2026). Collection method: clinical testing. Allele origin: germline.
Comment: The c.1699G>A variant in ETFDH is a missense variant predicted to cause substitution of glutamic acid to lysine at amino acid 567. This variant is rare in the general population with a frequency below the threshold expected for the associated phenotype(s). This variant has been observed in one or more individuals affected with the associated recessive disease, as either homozygous or compound heterozygous with a second variant (PMID: 32007756). This variant has been identified in one or more affected individuals with a phenotype highly consistent with the associated gene (PMID: 32007756). Computational prediction algorithms indicate this variant is likely to affect gene or protein function. Given the available evidence, this variant is classified as Likely Pathogenic.

Baylor Genetics
Classification: Likely pathogenic for Multiple acyl-CoA dehydrogenase deficiency. Last evaluated: 2024-03-22. Review status: criteria provided, single submitter. Criteria: ACMG Guidelines, 2015. Collection method: clinical testing. Allele origin: unknown.

Kariminejad - Najmabadi Pathology & Genetics Center
Classification: Likely pathogenic for Multiple acyl-CoA dehydrogenase deficiency. Last evaluated: 2023-01-07. Review status: criteria provided, single submitter. Criteria: ACMG Guidelines, 2015. Collection method: clinical testing. Allele origin: germline. Inheritance: Autosomal recessive inheritance. Affected: yes.
Comment: PP3-STRONG- PM2- PP2

Literature cited by the submitters: PubMed 32007756 (cited by Natera, Inc.).